The following is an entry in ClinVar:

ClinVar aggregate classification (germline): Conflicting classifications of pathogenicity. Review status: criteria provided, conflicting classifications (1 of 4 stars). 2 submissions from 2 submitters: Uncertain significance (1); Likely benign (1). Last evaluated 2023-01-04.

Conditions:
Tuberous sclerosis 2 (TSC2). Identifiers: Orphanet 805, MedGen C1860707, MONDO:0013199, OMIM 613254.

Submissions (2):

GeneDx
Classification: Uncertain significance. Last evaluated: 2023-01-04. Review status: criteria provided, single submitter. Criteria: GeneDx Variant Classification Process June 2021. Collection method: clinical testing. Allele origin: germline. Affected: yes.
Comment: Not observed at significant frequency in large population cohorts (gnomAD); In silico analysis suggests this variant may impact gene splicing. In the absence of RNA/functional studies, the actual effect of this sequence change is unknown.; Has not been previously published as pathogenic or benign to our knowledge; Also known as IVS19-8

Labcorp Genetics (formerly Invitae), Labcorp
Classification: Likely benign for Tuberous sclerosis 2. Last evaluated: 2022-12-10. Review status: criteria provided, single submitter. Criteria: Invitae Variant Classification Sherloc (09022015). Collection method: clinical testing. Allele origin: germline.

NM_000548.5(TSC2):c.2221-8G>A

Gene: TSC2 (TSC complex subunit 2; plus strand). Cytogenetic location: 16p13.3.
Variant type: single nucleotide variant.
Coding change: c.2221-8G>A on transcript NM_000548.5 (MANE Select); 8 bases into the intron before coding-DNA position 2221, G replaced by A.
Molecular consequence: intron variant.
Genome position (GRCh38, 1-based): chr16:2,072,841, G>A. VCF-style: chr16-2072841-G-A. GRCh37 (hg19) VCF-style: chr16-2122842-G-A.
Other names: c.2221-8G>A (NM_001114382.3, NM_021055.3, NM_001370405.1 and 3 more transcripts); c.2110-8G>A (NM_001318827.2); c.1621-8G>A (NM_001318831.2); c.2074-8G>A (NM_001318829.2); c.2254-8G>A (NM_001318832.2).
Identifiers: ClinVar variation 1153712 (VCV001153712.9), dbSNP rs768919244, ClinGen allele CA2499223298.